The following is an entry in ClinVar:

NM_020533.3(MCOLN1):c.36C>T (p.Thr12=)

Gene: MCOLN1 (mucolipin TRP cation channel 1; plus strand). Cytogenetic location: 19p13.2.
Variant type: single nucleotide variant.
Coding change: c.36C>T on transcript NM_020533.3 (MANE Select); coding-DNA position 36, C replaced by T.
Protein change: p.Thr12=; no amino-acid change (threonine 12 retained).
Molecular consequence: synonymous variant.
Genome position (GRCh38, 1-based): chr19:7,524,965, C>T. VCF-style: chr19-7524965-C-T. GRCh37 (hg19) VCF-style: chr19-7589851-C-T.
Identifiers: ClinVar variation 743047 (VCV000743047.14), dbSNP rs148187755, ClinGen allele CA9138582.
Genomic context (GRCh38, chr19:7,524,965, plus strand): 5'-AGGGGAAAAGGGGAGTTGCCCAGGCCTCACCCCAGTGCCCTCTCCTATTCCCACAGAGAC[C>T]GAGCGGCTTCTGACCCCCAACCCCGGGTATGGGACCCAGGCGGGGCCTTCACCGGCCCCT-3'
Protein context (NP_065394.1, residues 2-22): TAPAGPRGSE[Thr12=]ERLLTPNPGY

ClinVar aggregate classification (germline): Likely benign. Review status: criteria provided, multiple submitters, no conflicts (2 of 4 stars). 4 submissions from 4 submitters: Likely benign (3). 1 of the submissions does not count toward it. Last evaluated 2026-01-20.

Conditions:
Inborn genetic diseases. Identifiers: MedGen C0950123, MeSH D030342.
Mucolipidosis type IV (ML4). Also called: ML IV. Identifiers: Orphanet 578, MedGen C0238286, MONDO:0009653, OMIM 252650.
MCOLN1-related disorder. Also called: MCOLN1-related condition.

Allele frequency attached by ClinVar (database versions not stated): ExAC 0.00018; 1000 Genomes Project 0.00040; gnomAD 0.00040 and 0.00043; 1000 Genomes Project 30x 0.00047; TOPMed 0.00050; ESP Exome Variant Server 0.00054.
gnomAD v4.1: 159 of 1,613,532 alleles (0.0099%); highest among the groups gnomAD compares: African/African-American, 0.12%; no homozygotes.

Submissions (4):

Labcorp Genetics (formerly Invitae), Labcorp
Classification: Likely benign for Mucolipidosis type IV. Last evaluated: 2026-01-20. Review status: criteria provided, single submitter. Criteria: Invitae Variant Classification Sherloc (09022015). Collection method: clinical testing. Allele origin: germline.

PreventionGenetics, part of Exact Sciences
Classification: Likely benign for MCOLN1-related condition. Last evaluated: 2025-09-23. Review status: criteria provided, single submitter. Criteria: ACMG Guidelines, 2015. Collection method: clinical testing. Allele origin: germline.
Comment: This variant is classified as likely benign based on ACMG/AMP sequence variant interpretation guidelines (Richards et al. 2015 PMID: 25741868, with internal and published modifications).

Ambry Genetics
Classification: Likely benign for Inborn genetic diseases. Last evaluated: 2023-06-12. Review status: criteria provided, single submitter. Criteria: Ambry Variant Classification Scheme 2023. Collection method: clinical testing. Allele origin: germline.

Natera, Inc.
Classification: Likely benign for Mucolipidosis type IV. Last evaluated: 2020-09-16. Review status: no assertion criteria provided. Collection method: clinical testing. Allele origin: germline. Not counted in ClinVar's aggregate classification.